The following is an entry in ClinVar:

NM_006734.4(HIVEP2):c.489C>G (p.Ser163Arg)

Gene: HIVEP2 (HIVEP zinc finger 2; minus strand). Cytogenetic location: 6q24.2.
Variant type: single nucleotide variant.
Coding change: c.489C>G on transcript NM_006734.4 (MANE Select); coding-DNA position 489, C replaced by G.
Protein change: p.Ser163Arg; replaces serine 163 with arginine.
Molecular consequence: missense variant.
Genome position (GRCh38, 1-based): chr6:142,774,250, G>C on the plus strand (C>G on the coding strand, the complement: HIVEP2 is on the minus strand). VCF-style: chr6-142774250-G-C. GRCh37 (hg19) VCF-style: chr6-143095387-G-C.
Other names: short protein forms S163R.
Identifiers: ClinVar variation 4056675 (VCV004056675.1).

ClinVar aggregate classification (germline): Uncertain significance (1 of 4 stars; one submission).

Conditions:
Intellectual developmental disorder, autosomal dominant 43. Also called: Intellectual disability, autosomal dominant 43. Identifiers: MedGen C4707429, MONDO:0014858, OMIM 616977.

gnomAD v4.1: 2 of 1,614,038 alleles (0.00012%); highest among the groups gnomAD compares: African/African-American, 0.0013%; no homozygotes.

Submission:

Laboratorio de Genetica e Diagnostico Molecular, Hospital Israelita Albert Einstein
Classification: Uncertain significance for Intellectual developmental disorder, autosomal dominant 43. Last evaluated: 2024-09-26. Review status: criteria provided, single submitter. Criteria: ACMG Guidelines, 2015. Collection method: clinical testing. Allele origin: germline. Affected: yes.
Comment: ACMG classification criteria: PM2 supporting, PP2 supporting, BP4 supporting